The following is an entry in ClinVar:

ClinVar aggregate classification (germline): Uncertain significance (1 of 4 stars; one submission).

Conditions:
Inborn genetic diseases. Identifiers: MedGen C0950123, MeSH D030342.

Allele frequency attached by ClinVar (database versions not stated): gnomAD exomes below 0.00001.
gnomAD v4.1: 1 of 1,604,024 alleles (0.000062%); highest among the groups gnomAD compares: East Asian, 0.0022%; no homozygotes.

Submission:

Ambry Genetics
Classification: Uncertain significance for Inborn genetic diseases. Last evaluated: 2021-11-06. Review status: criteria provided, single submitter. Criteria: Ambry Variant Classification Scheme 2023. Collection method: clinical testing. Allele origin: germline.
Comment: The p.K1741E variant (also known as c.5221A>G), located in coding exon 30 of the ATR gene, results from an A to G substitution at nucleotide position 5221. The lysine at codon 1741 is replaced by glutamic acid, an amino acid with similar properties. This amino acid position is conserved. In addition, this alteration is predicted to be tolerated by in silico analysis. Since supporting evidence is limited at this time, the clinical significance of this alteration remains unclear.

NM_001184.4(ATR):c.5221A>G (p.Lys1741Glu)

Gene: ATR (ATR checkpoint kinase; minus strand). Cytogenetic location: 3q23.
Variant type: single nucleotide variant.
Coding change: c.5221A>G on transcript NM_001184.4 (MANE Select); coding-DNA position 5221, A replaced by G.
Protein change: p.Lys1741Glu; replaces lysine 1741 with glutamic acid.
Molecular consequence: missense variant.
Genome position (GRCh38, 1-based): chr3:142,503,429, T>C on the plus strand (A>G on the coding strand, the complement: ATR is on the minus strand). VCF-style: chr3-142503429-T-C. GRCh37 (hg19) VCF-style: chr3-142222271-T-C.
Other names: c.5029A>G, p.Lys1677Glu (NM_001354579.2); short protein forms K1677E, K1741E.
Identifiers: ClinVar variation 1746163 (VCV001746163.2), dbSNP rs2473182768, ClinGen allele CA354818525.